The following is an entry in ClinVar:

ClinVar aggregate classification (germline): Likely pathogenic (1 of 4 stars; one submission).

Conditions:
Biotinidase deficiency. Also called: BTD deficiency; Late-onset biotin-responsive multiple carboxylase deficiency; Biotin deficiency. Identifiers: Orphanet 79241, MedGen C0220754, MONDO:0009665, OMIM 253260.

Submission:

Labcorp Genetics (formerly Invitae), Labcorp
Classification: Likely pathogenic for Biotinidase deficiency. Last evaluated: 2024-03-27. Review status: criteria provided, single submitter. Criteria: Invitae Variant Classification Sherloc (09022015). Collection method: clinical testing. Allele origin: germline.
Comment: This sequence change affects an acceptor splice site in intron 2 of the BTD gene. It is expected to disrupt RNA splicing. Variants that disrupt the donor or acceptor splice site typically lead to a loss of protein function (PMID: 16199547), and loss-of-function variants in BTD are known to be pathogenic (PMID: 20083419). This variant is not present in population databases (gnomAD no frequency). This variant has not been reported in the literature in individuals affected with BTD-related conditions. Algorithms developed to predict the effect of sequence changes on RNA splicing suggest that this variant may disrupt the consensus splice site. In summary, the currently available evidence indicates that the variant is pathogenic, but additional data are needed to prove that conclusively. Therefore, this variant has been classified as Likely Pathogenic.

Literature cited by the submitters: PubMed 16199547; PubMed 20083419.

NM_001370658.1(BTD):c.250-1G>A

Gene: BTD (biotinidase; plus strand). Cytogenetic location: 3p25.1.
Variant type: single nucleotide variant.
Coding change: c.250-1G>A on transcript NM_001370658.1 (MANE Select); the canonical splice acceptor site of the intron before coding-DNA position 250, G replaced by A.
Molecular consequence: splice acceptor variant.
Genome position (GRCh38, 1-based): chr3:15,641,907, G>A. VCF-style: chr3-15641907-G-A. GRCh37 (hg19) VCF-style: chr3-15683414-G-A.
Other names: c.250-1G>A (NM_001407364.1, NM_001407382.1, NM_001407386.1 and 36 more transcripts); c.313-1G>A (NM_001407381.1).
Identifiers: ClinVar variation 3647898 (VCV003647898.2).